The following is an entry in ClinVar:

NM_000088.4(COL1A1):c.2444G>A (p.Gly815Asp)

Gene: COL1A1 (collagen type I alpha 1 chain; minus strand). Cytogenetic location: 17q21.33.
Variant type: single nucleotide variant.
Coding change: c.2444G>A on transcript NM_000088.4 (MANE Select); coding-DNA position 2444, G replaced by A.
Protein change: p.Gly815Asp; replaces glycine 815 with aspartic acid.
Molecular consequence: missense variant.
Genome position (GRCh38, 1-based): chr17:50,190,334, C>T on the plus strand (G>A on the coding strand, the complement: COL1A1 is on the minus strand). VCF-style: chr17-50190334-C-T. GRCh37 (hg19) VCF-style: chr17-48267695-C-T.
Other names: short protein forms G815D.
Identifiers: ClinVar variation 3363153 (VCV003363153.1).

ClinVar aggregate classification (germline): Pathogenic (1 of 4 stars; one submission).

Conditions:
Osteogenesis imperfecta, perinatal lethal (OI2). Also called: Osteogenesis imperfecta, dominant perinatal lethal; OSTEOGENESIS IMPERFECTA, TYPE II; Osteogenesis imperfecta type 2; OSTEOGENESIS IMPERFECTA CONGENITA; OI, TYPE II; VROLIK TYPE OF OSTEOGENESIS IMPERFECTA. Identifiers: Orphanet 216804, MedGen C0268358, MONDO:0008147, OMIM 166210.

gnomAD v4.1: 1 of 1,601,594 alleles (0.000062%); no homozygotes.

Submission:

Clinical Genetics and Genomics, Karolinska University Hospital
Classification: Pathogenic for Osteogenesis imperfecta, perinatal lethal. Last evaluated: 2024-09-10. Review status: criteria provided, single submitter. Criteria: ACMG Guidelines, 2015. Collection method: clinical testing. Allele origin: de novo. Affected: yes.